The following is an entry in ClinVar:

NM_000094.4(COL7A1):c.466G>A (p.Val156Met)

Gene: COL7A1 (collagen type VII alpha 1 chain; minus strand). Cytogenetic location: 3p21.31.
Variant type: single nucleotide variant.
Coding change: c.466G>A on transcript NM_000094.4 (MANE Select); coding-DNA position 466, G replaced by A.
Protein change: p.Val156Met; replaces valine 156 with methionine.
Molecular consequence: missense variant.
Genome position (GRCh38, 1-based): chr3:48,593,410, C>T on the plus strand (G>A on the coding strand, the complement: COL7A1 is on the minus strand). VCF-style: chr3-48593410-C-T. GRCh37 (hg19) VCF-style: chr3-48630843-C-T.
Other names: short protein forms V156M.
Identifiers: ClinVar variation 1939701 (VCV001939701.2), dbSNP rs2531347991, ClinGen allele CA352746977.
Genomic context (GRCh38, chr3:48,593,410, plus strand): 5'-CCTTACCCACAGCAAATAGCTTGACCCCCTGCCCCTTCAGCCTTTGGGCAGCTGTGTCCA[C>T]CAGGTCCTGGGACTTCCCGTCTGTGATCAGGATGCAGACCTGGGACAGGTGCAGGGGTCA-3'
Protein context (NP_000085.1, residues 146-166): LITDGKSQDL[Val156Met]DTAAQRLKGQ

ClinVar aggregate classification (germline): Uncertain significance (1 of 4 stars; one submission).

Allele frequency attached by ClinVar (database versions not stated): gnomAD exomes below 0.00001.

Submission:

Labcorp Genetics (formerly Invitae), Labcorp
Classification: Uncertain significance. Last evaluated: 2021-05-07. Review status: criteria provided, single submitter. Criteria: Invitae Variant Classification Sherloc (09022015). Collection method: clinical testing. Allele origin: germline.
Comment: This sequence change replaces valine with methionine at codon 156 of the COL7A1 protein (p.Val156Met). The valine residue is moderately conserved and there is a small physicochemical difference between valine and methionine. This variant is not present in population databases (ExAC no frequency). This variant has not been reported in the literature in individuals with COL7A1-related conditions. Advanced modeling of protein sequence and biophysical properties (such as structural, functional, and spatial information, amino acid conservation, physicochemical variation, residue mobility, and thermodynamic stability) performed at Invitae indicates that this missense variant is expected to disrupt COL7A1 protein function. In summary, the available evidence is currently insufficient to determine the role of this variant in disease. Therefore, it has been classified as a Variant of Uncertain Significance.